The following is an entry in ClinVar:

NM_001011658.4(TRAPPC2):c.*1599T>C

Gene: TRAPPC2 (trafficking protein particle complex subunit 2; minus strand). Cytogenetic location: Xp22.2.
Variant type: single nucleotide variant.
Coding change: c.*1599T>C on transcript NM_001011658.4 (MANE Select); 1599 bases downstream of the stop codon, T replaced by C.
Molecular consequence: 3 prime UTR variant.
Genome position (GRCh38, 1-based): chrX:13,712,808, A>G on the plus strand (T>C on the coding strand, the complement: TRAPPC2 is on the minus strand). VCF-style: chrX-13712808-A-G. GRCh37 (hg19) VCF-style: chrX-13730927-A-G.
Other names: c.*1599T>C (NM_001128835.3, NM_014563.6).
Identifiers: ClinVar variation 367969 (VCV000367969.5), dbSNP rs146362855, ClinGen allele CA10645987.

ClinVar aggregate classification (germline): Benign (1 of 4 stars; one submission).

Conditions:
Spondyloepiphyseal dysplasia tarda (SEDT). Also called: SPONDYLOEPIPHYSEAL DYSPLASIA, LATE. Identifiers: Orphanet 93284, MedGen CN033239, MONDO:0019667.

Allele frequency attached by ClinVar (database versions not stated): 1000 Genomes Project 30x 0.01436; 1000 Genomes Project 0.01457; gnomAD 0.01458 and 0.01547; TOPMed 0.01759.

Submission:

Illumina Laboratory Services, Illumina
Classification: Benign for Spondyloepiphyseal dysplasia tarda, X-linked. Last evaluated: 2018-01-13. Review status: criteria provided, single submitter. Criteria: ICSL Variant Classification Criteria 13 December 2019. Collection method: clinical testing. Allele origin: germline.
Comment: This variant was observed in the ICSL laboratory as part of a predisposition screen in an ostensibly healthy population. It had not been previously curated by ICSL or reported in the Human Gene Mutation Database (HGMD: prior to June 1st, 2018), and was therefore a candidate for classification through an automated scoring system. Utilizing variant allele frequency, disease prevalence and penetrance estimates, and inheritance mode, an automated score was calculated to assess if this variant is too frequent to cause the disease. Based on the score and internal cut-off values, a variant classified as benign is not then subjected to further curation. The score for this variant resulted in a classification of benign for this disease.